The following is an entry in ClinVar:

ClinVar aggregate classification (germline): Conflicting classifications of pathogenicity. Review status: criteria provided, conflicting classifications (1 of 4 stars). 2 submissions from 2 submitters: Uncertain significance (1); Likely benign (1). Last evaluated 2026-01-08.

Conditions:
Bethlem myopathy 2 (BTHLM2). Identifiers: Orphanet 536516, Orphanet 610, MedGen C4225313, MONDO:0034022, OMIM 616471.
Ullrich congenital muscular dystrophy 2 (UCMD2). Identifiers: Orphanet 75840, MedGen C4225314, MONDO:0014654, OMIM 616470.

Allele frequency attached by ClinVar (database versions not stated): ExAC 0.00003; gnomAD exomes 0.00003; TOPMed 0.00003.
gnomAD v4.1: 16 of 1,613,358 alleles (0.00099%); highest among the groups gnomAD compares: Admixed American, 0.025%; no homozygotes.

Submissions (2):

Labcorp Genetics (formerly Invitae), Labcorp
Classification: Likely benign for Bethlem myopathy 2; Ullrich congenital muscular dystrophy 2. Last evaluated: 2026-01-08. Review status: criteria provided, single submitter. Criteria: Invitae Variant Classification Sherloc (09022015). Collection method: clinical testing. Allele origin: germline.

GeneDx
Classification: Uncertain significance. Last evaluated: 2024-02-23. Review status: criteria provided, single submitter. Criteria: GeneDx Variant Classification Process June 2021. Collection method: clinical testing. Allele origin: germline.
Comment: Has not been previously published as pathogenic or benign to our knowledge; In silico analysis supports that this missense variant has a deleterious effect on protein structure/function

NM_004370.6(COL12A1):c.4181C>G (p.Ser1394Cys)

Gene: COL12A1 (collagen type XII alpha 1 chain; minus strand). Cytogenetic location: 6q13.
Variant type: single nucleotide variant.
Coding change: c.4181C>G on transcript NM_004370.6 (MANE Select); coding-DNA position 4181, C replaced by G.
Protein change: p.Ser1394Cys; replaces serine 1394 with cysteine.
Molecular consequence: missense variant.
Genome position (GRCh38, 1-based): chr6:75,148,464, G>C on the plus strand (C>G on the coding strand, the complement: COL12A1 is on the minus strand). VCF-style: chr6-75148464-G-C. GRCh37 (hg19) VCF-style: chr6-75858180-G-C.
Other names: c.689C>G, p.Ser230Cys (NM_080645.3); short protein forms S1394C, S230C.
Identifiers: ClinVar variation 1712628 (VCV001712628.8), dbSNP rs780317617, ClinGen allele CA3893519.